The following is an entry in ClinVar:

NM_001349008.3(CC2D2B):c.265T>C (p.Leu89=)

Genes: C10orf131 (chromosome 10 open reading frame 131; plus strand), CC2D2B (coiled-coil and C2 domain containing 2B; plus strand), ENTPD1-AS1 (ENTPD1 antisense RNA 1; minus strand). Cytogenetic location: 10q24.1.
Variant type: single nucleotide variant.
Coding change: c.265T>C on transcript NM_001349008.3 (MANE Select); coding-DNA position 265, T replaced by C.
Protein change: p.Leu89=; no amino-acid change (leucine 89 retained).
Molecular consequence: synonymous variant.
Genome position (GRCh38, 1-based): chr10:95,927,261, T>C. VCF-style: chr10-95927261-T-C. GRCh37 (hg19) VCF-style: chr10-97687018-T-C.
Other names: c.241T>C, p.Leu81= (NM_001130446.3).
Identifiers: ClinVar variation 2640721 (VCV002640721.24), dbSNP rs201173034, ClinGen allele CA5621713.
Genomic context (GRCh38, chr10:95,927,261, plus strand): 5'-GTGTTTATTTCAACACTAAATACTGGTTTATCATAGTTGTCTCCACAGACTGAAGTCTCA[T>C]TGGATGAAAGTCTTTCATTTTTCATTCTGAGTGGTGAAGAAGGTTCAGCTTTGGGCAAGT-3'
Protein context (NP_001335937.1, residues 79-99): SKLSPQTEVS[Leu89=]DESLSFFILS

ClinVar aggregate classification (germline): Likely benign (1 of 4 stars; one submission).

Allele frequency attached by ClinVar (database versions not stated): 1000 Genomes Project 0.00040; TOPMed 0.00048; ESP Exome Variant Server 0.00088; gnomAD exomes 0.00098; ExAC 0.00158; gnomAD 0.00184; 1000 Genomes Project 30x 0.00031.
gnomAD v4.1: 1,625 of 1,549,768 alleles (0.1%); highest among the groups gnomAD compares: Non-Finnish European, 0.074%; 10 homozygotes.

Submission:

CeGaT Center for Human Genetics Tuebingen
Classification: Likely benign. Last evaluated: 2022-03-01. Review status: criteria provided, single submitter. Criteria: CeGaT Center For Human Genetics Tuebingen Variant Classification Criteria Version 2. Collection method: clinical testing. Allele origin: germline. Affected: yes. Observed: 1 variant allele.
Comment: CC2D2B: BP4, BP7